The following is an entry in ClinVar:

NM_133510.4(RAD51B):c.428_429del (p.Thr143fs)

Gene: RAD51B (RAD51 paralog B; plus strand). Cytogenetic location: 14q24.1.
Variant type: Microsatellite.
Coding change: c.428_429del on transcript NM_133510.4 (MANE Select); coding-DNA positions 428 to 429, 2 bases deleted (CA; older notation c.428_429delCA).
Protein change: p.Thr143fs; shifts the reading frame from threonine 143.
Molecular consequence: frameshift variant.
Genome position (GRCh38, 1-based): chr14:67,865,115-67,865,116, CA deleted; deleting any 2 consecutive bases within chr14:67,865,112-67,865,116 gives the same sequence; the c. name uses the placement nearest the transcript's 3' end. VCF-style (leftmost placement, unchanged base first): chr14-67865111-GAC-G. GRCh37 (hg19) VCF-style: chr14-68331828-GAC-G.
Other names: c.428_429del, p.Thr143fs (NM_001321809.2, NM_001321810.2, NM_001321812.1 and 6 more transcripts); c.314_315del, p.Thr105fs (NM_001321815.1); c.71_72del, p.Thr24fs (NM_001321817.2); short protein forms T24fs, T105fs, T143fs.
Identifiers: ClinVar variation 5027752 (VCV005027752.1).

ClinVar aggregate classification (germline): Uncertain significance (1 of 4 stars; one submission).

Submission:

Ambry Genetics
Classification: Uncertain significance. Last evaluated: 2026-06-25. Review status: criteria provided, single submitter. Criteria: Ambry Variant Classification Scheme 2023. Collection method: clinical testing. Allele origin: germline.
Comment: The c.428_429delCA variant, located in coding exon 4 of the RAD51B gene, results from a deletion of two nucleotides at nucleotide positions 428 to 429, causing a translational frameshift with a predicted alternate stop codon (p.T143Rfs*5). The evidence for this gene-disease relationship is limited; therefore, the clinical significance of this variant is unclear.